The following is an entry in ClinVar:

NM_000218.3(KCNQ1):c.1094A>G (p.Asn365Ser)

Gene: KCNQ1 (potassium voltage-gated channel subfamily Q member 1; plus strand). Cytogenetic location: 11p15.5.
Variant type: single nucleotide variant.
Coding change: c.1094A>G on transcript NM_000218.3 (MANE Select); coding-DNA position 1094, A replaced by G.
Protein change: p.Asn365Ser; replaces asparagine 365 with serine.
Molecular consequence: missense variant. On other transcripts: intron variant (2).
Genome position (GRCh38, 1-based): chr11:2,585,273, A>G. VCF-style: chr11-2585273-A-G. GRCh37 (hg19) VCF-style: chr11-2606503-A-G.
Other names: c.824A>G, p.Asn275Ser (NM_001406837.1); c.713A>G, p.Asn238Ser (NM_181798.2); c.1032+1728A>G (NM_001406836.1); c.588+1728A>G (NM_001406838.1); short protein forms N365S, N238S, N275S.
Identifiers: ClinVar variation 3663374 (VCV003663374.2).

ClinVar aggregate classification (germline): Uncertain significance (1 of 4 stars; one submission).

Conditions:
Long QT syndrome (LQTS). Identifiers: MedGen C0023976, MeSH D008133, MONDO:0002442. Disease mechanism: loss of function. Inheritance: Various modes of inheritance.

Submission:

Labcorp Genetics (formerly Invitae), Labcorp
Classification: Uncertain significance for Long QT syndrome. Last evaluated: 2024-11-04. Review status: criteria provided, single submitter. Criteria: Invitae Variant Classification Sherloc (09022015). Collection method: clinical testing. Allele origin: germline.
Comment: This sequence change replaces asparagine, which is neutral and polar, with serine, which is neutral and polar, at codon 365 of the KCNQ1 protein (p.Asn365Ser). This variant is not present in population databases (gnomAD no frequency). This variant has not been reported in the literature in individuals affected with KCNQ1-related conditions. Invitae Evidence Modeling of protein sequence and biophysical properties (such as structural, functional, and spatial information, amino acid conservation, physicochemical variation, residue mobility, and thermodynamic stability) has been performed for this missense variant. However, the output from this modeling did not meet the statistical confidence thresholds required to predict the impact of this variant on KCNQ1 protein function. In summary, the available evidence is currently insufficient to determine the role of this variant in disease. Therefore, it has been classified as a Variant of Uncertain Significance.